The following is an entry in ClinVar:

ClinVar aggregate classification (germline): Uncertain significance (1 of 4 stars; one submission).

Allele frequency attached by ClinVar (database versions not stated): gnomAD exomes 0.00001.
gnomAD v4.1: 18 of 1,612,412 alleles (0.0011%); highest among the groups gnomAD compares: Non-Finnish European, 0.0015%; no homozygotes.

Submission:

Clinical Genomics Laboratory, Washington University in St. Louis
Classification: Uncertain significance. Last evaluated: 2023-09-05. Review status: criteria provided, single submitter. Criteria: ACMG Guidelines, 2015. Collection method: clinical testing. Allele origin: germline.
Comment: The WDR24 c.1333G>A (p.Val445Met) variant, to our knowledge, has not been reported in the medical literature and is absent from the general population (gnomAD v.2.1.1), indicating it is not a common variant. This variant is in an alpha helical domain and computational predictors indicate that the variant is damaging, evidence that correlates with impact to WDR24 function. Due to limited information, the clinical significance of this variant is uncertain.

NM_032259.4(WDR24):c.1333G>A (p.Val445Met)

Gene: WDR24 (WD repeat domain 24; minus strand). Cytogenetic location: 16p13.3.
Variant type: single nucleotide variant.
Coding change: c.1333G>A on transcript NM_032259.4 (MANE Select); coding-DNA position 1333, G replaced by A.
Protein change: p.Val445Met; replaces valine 445 with methionine.
Molecular consequence: missense variant.
Genome position (GRCh38, 1-based): chr16:686,186, C>T on the plus strand (G>A on the coding strand, the complement: WDR24 is on the minus strand). VCF-style: chr16-686186-C-T. GRCh37 (hg19) VCF-style: chr16-736186-C-T.
Other names: c.1333G>A, p.Val445Met (NM_001303027.1); short protein forms V445M.
Identifiers: ClinVar variation 2672122 (VCV002672122.1), dbSNP rs2543856902, ClinGen allele CA394128615.